The following is an entry in ClinVar:

ClinVar aggregate classification (germline): Benign (1 of 4 stars; one submission).

Conditions:
Cayman type cerebellar ataxia. Also called: Cayman ataxia. Identifiers: Orphanet 94122, MedGen C1832585, MONDO:0011025, OMIM 601238.

Allele frequency attached by ClinVar (database versions not stated): 1000 Genomes Project 0.00819; gnomAD 0.00917 and 0.00992; 1000 Genomes Project 30x 0.00937; TOPMed 0.01033.

Submission:

Illumina Laboratory Services, Illumina
Classification: Benign for Cayman type cerebellar ataxia. Last evaluated: 2018-01-12. Review status: criteria provided, single submitter. Criteria: ICSL Variant Classification Criteria 13 December 2019. Collection method: clinical testing. Allele origin: germline.
Comment: This variant was observed in the ICSL laboratory as part of a predisposition screen in an ostensibly healthy population. It had not been previously curated by ICSL or reported in the Human Gene Mutation Database (HGMD: prior to June 1st, 2018), and was therefore a candidate for classification through an automated scoring system. Utilizing variant allele frequency, disease prevalence and penetrance estimates, and inheritance mode, an automated score was calculated to assess if this variant is too frequent to cause the disease. Based on the score and internal cut-off values, a variant classified as benign is not then subjected to further curation. The score for this variant resulted in a classification of benign for this disease.

NM_033064.5(ATCAY):c.*2514A>G

Gene: ATCAY (ATCAY kinesin light chain interacting caytaxin; plus strand). Cytogenetic location: 19p13.3.
Variant type: single nucleotide variant.
Coding change: c.*2514A>G on transcript NM_033064.5 (MANE Select); 2514 bases downstream of the stop codon, A replaced by G.
Molecular consequence: 3 prime UTR variant.
Genome position (GRCh38, 1-based): chr19:3,927,106, A>G. VCF-style: chr19-3927106-A-G. GRCh37 (hg19) VCF-style: chr19-3927104-A-G.
Identifiers: ClinVar variation 894039 (VCV000894039.4), dbSNP rs142048723, ClinGen allele CA304406209.
Genomic context (GRCh38, chr19:3,927,106, plus strand): 5'-CCCCATCTCTACTAAAAATACAAAAATTAGCTGGGTGTGGTGGCGCGCACCTGTAGTCCC[A>G]GCTACTCAGGAGGCTGAGGTAGAAGAATAGCTGGAACCCAGGAGGCAGAGATTGCAGTCA-3'